The following is an entry in ClinVar:

NM_020975.6(RET):c.3232A>G (p.Thr1078Ala)

Gene: RET (ret proto-oncogene; plus strand). Cytogenetic location: 10q11.21.
Variant type: single nucleotide variant.
Coding change: c.3232A>G on transcript NM_020975.6 (MANE Select); coding-DNA position 3232, A replaced by G.
Protein change: p.Thr1078Ala; replaces threonine 1078 with alanine.
Molecular consequence: missense variant.
Genome position (GRCh38, 1-based): chr10:43,128,156, A>G. VCF-style: chr10-43128156-A-G. GRCh37 (hg19) VCF-style: chr10-43623604-A-G.
Other names: c.3232A>G, p.Thr1078Ala (NM_000323.2, NM_001406743.1); c.*1402A>G (NM_001355216.2, NM_001406764.1, NM_001406765.1 and 15 more transcripts); c.3172A>G, p.Thr1058Ala (NM_001406759.1, NM_001406760.1); c.3103A>G, p.Thr1035Ala (NM_001406761.1, NM_001406762.1); c.3097A>G, p.Thr1033Ala (NM_001406763.1); c.2944A>G, p.Thr982Ala (NM_001406766.1, NM_001406767.1); c.2836A>G, p.Thr946Ala (NM_001406769.1); c.2794A>G, p.Thr932Ala (NM_001406771.1); and 7 more; short protein forms T1078A, T575A, T779A, T836A, T1033A, T1035A, T816A, T1058A.
Identifiers: ClinVar variation 1729207 (VCV001729207.2), dbSNP rs2538661330, ClinGen allele CA376558915.

ClinVar aggregate classification (germline): Uncertain significance (1 of 4 stars; one submission).

Conditions:
Hereditary cancer-predisposing syndrome. Also called: Tumor predisposition; Neoplastic Syndromes, Hereditary; Hereditary Cancer Syndrome; Hereditary neoplastic syndrome. Identifiers: Orphanet 140162, MedGen C0027672, MeSH D009386, MONDO:0015356.

Submission:

Ambry Genetics
Classification: Uncertain significance for Hereditary cancer-predisposing syndrome. Last evaluated: 2022-09-05. Review status: criteria provided, single submitter. Criteria: Ambry Variant Classification Scheme 2023. Collection method: clinical testing. Allele origin: germline.
Comment: The p.T1078A variant (also known as c.3232A>G), located in coding exon 20 of the RET gene, results from an A to G substitution at nucleotide position 3232. The threonine at codon 1078 is replaced by alanine, an amino acid with similar properties. This amino acid position is conserved. In addition, the in silico prediction for this alteration is inconclusive. Since supporting evidence is limited at this time, the clinical significance of this alteration remains unclear.